The following is an entry in ClinVar:

NM_001040142.2(SCN2A):c.966T>C (p.Asp322=)

Gene: SCN2A (sodium voltage-gated channel alpha subunit 2; plus strand). Cytogenetic location: 2q24.3.
Variant type: single nucleotide variant.
Coding change: c.966T>C on transcript NM_001040142.2 (MANE Select); coding-DNA position 966, T replaced by C.
Protein change: p.Asp322=; no amino-acid change (aspartic acid 322 retained).
Molecular consequence: synonymous variant.
Genome position (GRCh38, 1-based): chr2:165,310,591, T>C. VCF-style: chr2-165310591-T-C. GRCh37 (hg19) VCF-style: chr2-166167101-T-C.
Other names: c.966T>C, p.Asp322= (NM_001040143.2, NM_001371246.1, NM_001371247.1 and 1 more transcripts).
Identifiers: ClinVar variation 2019240 (VCV002019240.31), dbSNP rs748526712, ClinGen allele CA1939718.

ClinVar aggregate classification (germline): Likely benign. Review status: criteria provided, multiple submitters, no conflicts (2 of 4 stars). 2 submissions from 2 submitters: Likely benign (2). Last evaluated 2023-05-01.

Conditions:
Developmental and epileptic encephalopathy, 11 (DEE11). Also called: Early infantile epileptic encephalopathy 11. Identifiers: Orphanet 1934, MedGen C3150987, MONDO:0013388, OMIM 613721.
Seizures, benign familial infantile, 3 (BFIS3). Also called: Familial neonatal seizures; CONVULSIONS, BENIGN FAMILIAL INFANTILE, 3. Identifiers: Orphanet 140927, Orphanet 306, MedGen C1843140, MONDO:0011904, OMIM 607745.

Allele frequency attached by ClinVar (database versions not stated): gnomAD 0.00001; gnomAD exomes 0.00001; ExAC 0.00002.
gnomAD v4.1: 16 of 1,608,540 alleles (0.00099%); highest among the groups gnomAD compares: South Asian, 0.018%; no homozygotes.

Submissions (2):

CeGaT Center for Human Genetics Tuebingen
Classification: Likely benign. Last evaluated: 2023-05-01. Review status: criteria provided, single submitter. Criteria: CeGaT Center For Human Genetics Tuebingen Variant Classification Criteria Version 2. Collection method: clinical testing. Allele origin: germline. Affected: yes. Observed: 1 variant allele.
Comment: SCN2A: BP4, BP7

Labcorp Genetics (formerly Invitae), Labcorp
Classification: Likely benign for Seizures, benign familial infantile, 3; Developmental and epileptic encephalopathy, 11. Last evaluated: 2022-07-23. Review status: criteria provided, single submitter. Criteria: Invitae Variant Classification Sherloc (09022015). Collection method: clinical testing. Allele origin: germline.